The following is an entry in ClinVar:

ClinVar aggregate classification (germline): Conflicting classifications of pathogenicity. Review status: criteria provided, conflicting classifications (1 of 4 stars). 10 submissions from 10 submitters: Uncertain significance (2); Benign (1); Likely benign (3). 4 of the submissions do not count toward it. Last evaluated 2026-01-26.

Conditions:
ANG-related disorder. Also called: ANG-related condition.
Amyotrophic lateral sclerosis type 9 (ALS9). Identifiers: Orphanet 803, MedGen C2678468, MONDO:0012753, OMIM 611895.

Allele frequency attached by ClinVar (database versions not stated): 1000 Genomes Project 30x 0.00016; 1000 Genomes Project 0.00020; TOPMed 0.00060; ExAC 0.00061; gnomAD exomes 0.00069 and 0.00073; gnomAD 0.00072 and 0.00073.
gnomAD v4.1: 1,115 of 1,614,232 alleles (0.069%); highest among the groups gnomAD compares: Non-Finnish European, 0.075%; no homozygotes.

Submissions (10):

Labcorp Genetics (formerly Invitae), Labcorp
Classification: Likely benign. Last evaluated: 2026-01-26. Review status: criteria provided, single submitter. Criteria: Invitae Variant Classification Sherloc (09022015). Collection method: clinical testing. Allele origin: germline.

Athena Diagnostics
Classification: Benign. Last evaluated: 2025-08-12. Review status: criteria provided, single submitter. Criteria: Athena Diagnostics Criteria. Collection method: clinical testing. Allele origin: unknown.
Comment: The frequency of this variant in the general population is higher than would generally be expected for pathogenic variants in this gene. Assessment of experimental evidence regarding the effect of this variant on protein function is inconclusive. (PMID: 17900154)

GeneDx
Classification: Likely benign. Last evaluated: 2021-05-10. Review status: criteria provided, single submitter. Criteria: GeneDx Variant Classification Process June 2021. Collection method: clinical testing. Allele origin: germline. Affected: yes.
Comment: This variant is associated with the following publications: (PMID: 29525178, 23665167, 23047679, 17900154, 18852347, 16501576, 23393617, 18087731, 22190368, 33875291)

Suna and Inan Kirac Foundation Neurodegeneration Research Laboratory, Koc University
Classification: Uncertain significance for Amyotrophic lateral sclerosis type 9. Last evaluated: 2020-03-31. Review status: criteria provided, single submitter. Criteria: ACMG Guidelines, 2015. Collection method: research. Allele origin: germline. Affected: yes. Observed: 3 variant alleles.

Illumina Laboratory Services, Illumina
Classification: Likely benign for Amyotrophic lateral sclerosis type 9. Last evaluated: 2017-04-27. Review status: criteria provided, single submitter. Criteria: ICSL Variant Classification Criteria 13 December 2019. Collection method: clinical testing. Allele origin: germline.
Comment: This variant was observed as part of a predisposition screen in an ostensibly healthy population. A literature search was performed for the gene, cDNA change, and amino acid change (where applicable). Publications were found based on this search. The evidence from the literature, in combination with allele frequency data from public databases where available, was sufficient to determine this variant is unlikely to cause disease. Therefore, this variant is classified as likely benign.

Eurofins Ntd Llc (ga)
Classification: Uncertain significance. Last evaluated: 2015-11-12. Review status: criteria provided, single submitter. Criteria: EGL Classification Definitions 2015. Collection method: clinical testing. Allele origin: germline. Observed: 3 variant alleles, 3 heterozygotes.

PreventionGenetics, part of Exact Sciences
Classification: Likely benign for ANG-related condition. Last evaluated: 2022-12-16. Review status: no assertion criteria provided. Collection method: clinical testing. Allele origin: germline. Not counted in ClinVar's aggregate classification.
Comment: This variant is classified as likely benign based on ACMG/AMP sequence variant interpretation guidelines (Richards et al. 2015 PMID: 25741868, with internal and published modifications).

OMIM
Classification: Pathogenic for AMYOTROPHIC LATERAL SCLEROSIS 9. Last evaluated: 2008-10-01. Review status: no assertion criteria provided. Collection method: literature only. Allele origin: germline. Not counted in ClinVar's aggregate classification.

Clinical Genetics DNA and cytogenetics Diagnostics Lab, Erasmus MC, Erasmus Medical Center
Classification: Likely benign. Review status: no assertion criteria provided. Collection method: clinical testing. Allele origin: germline. Affected: yes. Study: VKGL Data-share Consensus. Not counted in ClinVar's aggregate classification.

Genome Diagnostics Laboratory, University Medical Center Utrecht
Classification: Likely benign. Review status: no assertion criteria provided. Collection method: clinical testing. Allele origin: germline. Affected: yes. Study: VKGL Data-share Consensus. Not counted in ClinVar's aggregate classification.

Literature cited by the submitters: PubMed 32579787 (cited by Athena Diagnostics); PubMed 32951934 (cited by Athena Diagnostics); PubMed 29525178 (cited by Athena Diagnostics); PubMed 30188356 (cited by Athena Diagnostics); PubMed 23393617 (cited by Athena Diagnostics); PubMed 23665167 (cited by Athena Diagnostics); PubMed 23463871 (cited by Athena Diagnostics); PubMed 16501576 (cited by 3 submitters); PubMed 17462671 (cited by Athena Diagnostics and Illumina Laboratory Services, Illumina); PubMed 17703939 (cited by Athena Diagnostics and Illumina Laboratory Services, Illumina); PubMed 17900154 (cited by Athena Diagnostics and Illumina Laboratory Services, Illumina); PubMed 18087731 (cited by 3 submitters); PubMed 18852347 (cited by 3 submitters); PubMed 19363631 (cited by Athena Diagnostics and Illumina Laboratory Services, Illumina); PubMed 19444281 (cited by Athena Diagnostics and Illumina Laboratory Services, Illumina); PubMed 26777436 (cited by Athena Diagnostics); PubMed 26551617 (cited by Athena Diagnostics); PubMed 32409511 (cited by Athena Diagnostics); PubMed 38421827 (cited by Athena Diagnostics); PubMed 23047679 (cited by Athena Diagnostics and Illumina Laboratory Services, Illumina); PubMed 22722621 (cited by Athena Diagnostics); PubMed 22190368 (cited by Athena Diagnostics and Illumina Laboratory Services, Illumina).

NM_001097577.3(ANG):c.208A>G (p.Ile70Val)

Genes: RNASE4 (ribonuclease A family member 4; plus strand), ANG (angiogenin; plus strand), EGILA (EGFR interacting lncRNA; minus strand). Cytogenetic location: 14q11.2.
Variant type: single nucleotide variant.
Coding change: c.208A>G on transcript NM_001097577.3 (MANE Select); coding-DNA position 208, A replaced by G.
Protein change: p.Ile70Val; replaces isoleucine 70 with valine.
Molecular consequence: missense variant. On other transcripts: intron variant (4).
Genome position (GRCh38, 1-based): chr14:20,693,772, A>G. VCF-style: chr14-20693772-A-G. GRCh37 (hg19) VCF-style: chr14-21161931-A-G.
Other names: I46V; c.208A>G, p.Ile70Val (NM_001145.4, NM_001385271.1, NM_001385272.1 and 2 more transcripts); c.-18+122A>G (NM_001282192.2); c.-17-5583A>G (NM_002937.5, NM_001282193.2); c.-18+4898A>G (NM_194431.3); short protein forms I70V.
Identifiers: ClinVar variation 18079 (VCV000018079.24), dbSNP rs121909541, ClinGen allele CA258106.